The following is an entry in ClinVar:

NM_001082538.3(TCTN1):c.113C>G (p.Thr38Ser)

Gene: TCTN1 (tectonic family member 1; plus strand). Cytogenetic location: 12q24.11.
Variant type: single nucleotide variant.
Coding change: c.113C>G on transcript NM_001082538.3 (MANE Select); coding-DNA position 113, C replaced by G.
Protein change: p.Thr38Ser; replaces threonine 38 with serine.
Molecular consequence: missense variant. On other transcripts: 5 prime UTR variant (4), non-coding transcript variant (1).
Genome position (GRCh38, 1-based): chr12:110,614,295, C>G. VCF-style: chr12-110614295-C-G. GRCh37 (hg19) VCF-style: chr12-111052100-C-G.
Other names: c.113C>G, p.Thr38Ser (NM_001082537.3, NM_001319680.2, NM_024549.6); c.-117C>G (NM_001173975.3, NM_001319682.3); c.-144C>G (NM_001173976.2); c.-595C>G (NM_001319681.2); short protein forms T38S.
Identifiers: ClinVar variation 1449296 (VCV001449296.4), dbSNP rs1414721255, ClinGen allele CA386700624.

ClinVar aggregate classification (germline): Uncertain significance (1 of 4 stars; one submission).

Conditions:
Meckel-Gruber syndrome. Also called: DYSENCEPHALIA SPLANCHNOCYSTICA; GRUBER SYNDROME; Dysencephalia splachnocystica. Identifiers: Orphanet 564, MedGen C0265215, MONDO:0018921.
Joubert syndrome. Also called: CEREBELLOPARENCHYMAL DISORDER IV; JOUBERT-BOLTSHAUSER SYNDROME; Familial aplasia of the vermis. Identifiers: Orphanet 475, MedGen C5979921, MONDO:0018772.

Allele frequency attached by ClinVar (database versions not stated): gnomAD exomes below 0.00001; gnomAD 0.00001; TOPMed 0.00001.
gnomAD v4.1: 5 of 1,598,964 alleles (0.00031%); highest among the groups gnomAD compares: South Asian, 0.0011%; no homozygotes.

Submission:

Labcorp Genetics (formerly Invitae), Labcorp
Classification: Uncertain significance for Joubert syndrome; Meckel-Gruber syndrome. Last evaluated: 2021-10-05. Review status: criteria provided, single submitter. Criteria: Invitae Variant Classification Sherloc (09022015). Collection method: clinical testing. Allele origin: germline.
Comment: This sequence change replaces threonine with serine at codon 38 of the TCTN1 protein (p.Thr38Ser). The threonine residue is moderately conserved and there is a small physicochemical difference between threonine and serine. In summary, the available evidence is currently insufficient to determine the role of this variant in disease. Therefore, it has been classified as a Variant of Uncertain Significance. Algorithms developed to predict the effect of sequence changes on RNA splicing suggest that this variant may create or strengthen a splice site. Algorithms developed to predict the effect of missense changes on protein structure and function are either unavailable or do not agree on the potential impact of this missense change (SIFT: "Tolerated"; PolyPhen-2: "Possibly Damaging"; Align-GVGD: "Class C0"). This variant has not been reported in the literature in individuals affected with TCTN1-related conditions. This variant is not present in population databases (ExAC no frequency).